The following is an entry in ClinVar:

NM_001048174.2(MUTYH):c.229G>A (p.Asp77Asn)

Gene: MUTYH (mutY DNA glycosylase; minus strand). Cytogenetic location: 1p34.1.
Variant type: single nucleotide variant.
Coding change: c.229G>A on transcript NM_001048174.2 (MANE Select); coding-DNA position 229, G replaced by A.
Protein change: p.Asp77Asn; replaces aspartic acid 77 with asparagine.
Molecular consequence: missense variant. On other transcripts: 5 prime UTR variant (4), non-coding transcript variant (2).
Genome position (GRCh38, 1-based): chr1:45,333,448, C>T on the plus strand (G>A on the coding strand, the complement: MUTYH is on the minus strand). VCF-style: chr1-45333448-C-T. GRCh37 (hg19) VCF-style: chr1-45799120-C-T.
Other names: c.229G>A, p.Asp77Asn (NM_001048171.2, NM_001048173.2, NM_001293195.2); c.232G>A, p.Asp78Asn (NM_001048172.2); c.313G>A, p.Asp105Asn (NM_001128425.2); c.274G>A, p.Asp92Asn (NM_001293190.2); c.262G>A, p.Asp88Asn (NM_001293191.2); c.-48G>A (NM_001293192.2, NM_001293196.2); c.-43G>A (NM_001350650.2, NM_001350651.2); c.304G>A, p.Asp102Asn (NM_012222.3); and 1 more; short protein forms D105N, D102N, D92N, D88N, D78N, D77N.
Identifiers: ClinVar variation 135986 (VCV000135986.48), dbSNP rs587780746, ClinGen allele CA013355.
Genomic context (GRCh38, chr1:45,333,448, plus strand): 5'-CTGTCCCTGCTCCTCGCCTGCCTACCCGTCTTCTCCATGGTAGGTCCCGTTTCTCTTGGT[C>T]GTACCAGCTTAGCAGGCTCCCTCGGAAGGCTGTGACTTCAGCTACGTCTCTGAATAGATG-3'
Protein context (NP_001041639.1, residues 67-87): AFRGSLLSWY[Asp77Asn]QEKRDLPWRR

ClinVar aggregate classification (germline): Conflicting classifications of pathogenicity. Review status: criteria provided, conflicting classifications (1 of 4 stars). 17 submissions from 17 submitters: Uncertain significance (13); Likely benign (1). 3 of the submissions do not count toward it. Last evaluated 2026-09-03.

Conditions:
MUTYH-related disorder. Also called: MUTYH-related disorders; MUTYH-related condition.
Hereditary cancer-predisposing syndrome. Also called: Neoplastic Syndromes, Hereditary; Tumor predisposition; Hereditary Cancer Syndrome; Hereditary neoplastic syndrome. Identifiers: Orphanet 140162, MedGen C0027672, MeSH D009386, MONDO:0015356.
Familial adenomatous polyposis 2. Also called: COLORECTAL ADENOMATOUS POLYPOSIS, AUTOSOMAL RECESSIVE; ADENOMAS, MULTIPLE COLORECTAL, AUTOSOMAL RECESSIVE; MUTYH Polyposis; MYH-associated polyposis; FAP type 2; Adenomas, multiple colorectal. Identifiers: Orphanet 220460, Orphanet 247798, MedGen C3272841, MONDO:0012041, OMIM 608456.

Allele frequency attached by ClinVar (database versions not stated): gnomAD exomes 0.00002; TOPMed 0.00003; gnomAD 0.00005.
gnomAD v4.1: 32 of 1,614,096 alleles (0.002%); highest among the groups gnomAD compares: Non-Finnish European, 0.0025%; no homozygotes.

Submissions (17):

PreventionGenetics, part of Exact Sciences
Classification: Uncertain significance for MUTYH-related condition. Last evaluated: 2026-09-03. Review status: criteria provided, single submitter. Criteria: ACMG Guidelines, 2015. Collection method: clinical testing. Allele origin: germline.
Comment: The MUTYH c.313G>A variant is predicted to result in the amino acid substitution p.Asp105Asn. This variant, also known as p.Asp91Asn or p.D77N, has been reported in individuals with colorectal cancer (Niessen et al. 2006. PubMed ID: 16408224; DeRycke et al. 2017. PubMed ID: 28944238), breast cancer (Bhai et al. 2021. PubMed ID: 34326862), and a cohort of individuals who received multi-gene NGS panel testing for hereditary cancer risk (de Oliveira et al. 2022. PubMed ID: 35534704). This variant is reported in 0.0070% of alleles in individuals of European (Non-Finnish) descent in gnomAD and has conflicting interpretations in ClinVar ranging from likely benign to uncertain (Variation ID: 135986). Experimental studies demonstrate this variant does not impact MUTYH protein function (Komine et al. 2015. PubMed ID: 25820570; Shinmura et al. 2016. PubMed ID: 26694661). Although we suspect that this variant may be benign, at this time, the clinical significance of this variant is uncertain due to the absence of conclusive functional and genetic evidence.

Center for Genomic Medicine, Rigshospitalet, Copenhagen University Hospital
Classification: Uncertain significance. Last evaluated: 2025-12-29. Review status: criteria provided, single submitter. Criteria: ACMG Guidelines, 2015. Collection method: clinical testing. Allele origin: germline.

Labcorp Genetics (formerly Invitae), Labcorp
Classification: Uncertain significance for Familial adenomatous polyposis 2. Last evaluated: 2025-12-28. Review status: criteria provided, single submitter. Criteria: Invitae Variant Classification Sherloc (09022015). Collection method: clinical testing. Allele origin: germline.
Comment: This sequence change replaces aspartic acid, which is acidic and polar, with asparagine, which is neutral and polar, at codon 105 of the MUTYH protein (p.Asp105Asn). This variant is present in population databases (rs587780746, gnomAD 0.007%). This missense change has been observed in individual(s) with sporadic colorectal cancer (PMID: 16140997, 16408224). This variant is also known as c.271G>A and p.Asp91Asn. ClinVar contains an entry for this variant (Variation ID: 135986). An algorithm developed to predict the effect of missense changes on protein structure and function (PolyPhen-2) suggests that this variant is likely to be tolerated. Experimental studies have shown that this missense change does not substantially affect MUTYH function (PMID: 25820570, 26694661). In summary, the available evidence is currently insufficient to determine the role of this variant in disease. Therefore, it has been classified as a Variant of Uncertain Significance.

Molecular Pathology, Peter Maccallum Cancer Centre
Classification: Uncertain significance for Familial adenomatous polyposis 2. Last evaluated: 2025-04-28. Review status: criteria provided, single submitter. Criteria: ACMG Guidelines, 2015. Collection method: clinical testing. Allele origin: germline. Inheritance: Autosomal recessive inheritance.

All of Us Research Program, National Institutes of Health
Classification: Uncertain significance for Familial adenomatous polyposis 2. Last evaluated: 2024-05-09. Review status: criteria provided, single submitter. Criteria: ACMG Guidelines, 2015. Collection method: clinical testing. Allele origin: germline. Inheritance: Autosomal recessive inheritance. Observed: 10 variant alleles, 10 heterozygotes.
Comment: This missense variant replaces aspartic acid with asparagine at codon 105 of the MUTYH protein. Computational prediction tool suggests that this variant may not impact protein structure and function (internally defined REVEL score threshold <= 0.5, PMID: 27666373). Functional studies have shown that this variant protein (also known as p.Asp77Asn and p.Asp91Asn in the literature) exhibits similar DNA glycosylase activity and ability in mutation suppression compared to the wild-type protein (PMID: 25820570, 26694661). This variant has been detected in heterozygosity without a known second mutation in at least one individual affected with colorectal cancer and polyposis (PMID: 16140997, 16408224). This variant has also been identified in 9/282862 chromosomes in the general population by the Genome Aggregation Database (gnomAD). The available evidence is insufficient to determine the role of this variant in disease conclusively. Therefore, this variant is classified as a Variant of Uncertain Significance.

This study involves interpretation of variants in research participants for the purpose of population health screening. Participant phenotype was not available at the time of variant classification. Additional details can be found in publication PMID: 35346344, PMCID: PMC8962531

Baylor Genetics
Classification: Uncertain significance for Familial adenomatous polyposis 2. Last evaluated: 2024-02-23. Review status: criteria provided, single submitter. Criteria: ACMG Guidelines, 2015. Collection method: clinical testing. Allele origin: unknown.

Color Diagnostics, LLC DBA Color Health
Classification: Uncertain significance for Hereditary cancer-predisposing syndrome. Last evaluated: 2023-01-25. Review status: criteria provided, single submitter. Criteria: ACMG Guidelines, 2015. Collection method: clinical testing. Allele origin: germline.
Comment: This missense variant replaces aspartic acid with asparagine at codon 105 of the MUTYH protein. Computational prediction tool suggests that this variant may not impact protein structure and function (internally defined REVEL score threshold <= 0.5, PMID: 27666373). Functional studies have shown that this variant protein (also known as p.Asp77Asn and p.Asp91Asn in the literature) exhibits similar DNA glycosylase activity and ability in mutation suppression compared to the wild-type protein (PMID: 25820570, 26694661). This variant has been detected in heterozygosity without a known second mutation in at least one individual affected with colorectal cancer and polyposis (PMID: 16140997, 16408224). This variant has also been identified in 9/282862 chromosomes in the general population by the Genome Aggregation Database (gnomAD). The available evidence is insufficient to determine the role of this variant in disease conclusively. Therefore, this variant is classified as a Variant of Uncertain Significance.

Ambry Genetics
Classification: Likely benign for Hereditary cancer-predisposing syndrome. Last evaluated: 2022-09-28. Review status: criteria provided, single submitter. Criteria: Ambry Variant Classification Scheme 2023. Collection method: clinical testing. Allele origin: germline.

GeneDx
Classification: Uncertain significance. Last evaluated: 2022-07-02. Review status: criteria provided, single submitter. Criteria: GeneDx Variant Classification Process June 2021. Collection method: clinical testing. Allele origin: germline. Affected: yes.
Comment: Published functional studies demonstrate no damaging effect (Komine et al., 2015; Shinmura et al., 2016); Observed in individuals with a personal or family history of colorectal cancer and/or polyps (Nielsen et al., 2005; Niessen et al., 2006); Not observed at significant frequency in large population cohorts (gnomAD); In silico analysis supports that this missense variant has a deleterious effect on protein structure/function; Also known as p.(Asp91Asn); This variant is associated with the following publications: (PMID: 16408224, 16140997, 25820570, 26694661)

Institute for Clinical Genetics, University Hospital TU Dresden, University Hospital TU Dresden
Classification: Uncertain significance. Last evaluated: 2021-11-03. Review status: criteria provided, single submitter. Criteria: ACMG Guidelines, 2015. Collection method: clinical testing. Allele origin: germline.

Sema4
Classification: Uncertain significance for Hereditary cancer-predisposing syndrome. Last evaluated: 2021-06-26. Review status: criteria provided, single submitter. Criteria: Sema4 Curation Guidelines. Collection method: curation. Allele origin: germline.
Comment: The MUTYH c.313G>A (p.D105N) variant has been reported in heterozygosity in at least two individuals with multiple colon polyps and/or colorectal cancer (PMID: 16140997, 16408224). It is also known as c.271G>A (p.D91N) and c.229G>A (p.D77N) in the literature. While in silico predictions of the variant's effect on protein function are inconclusive, assays of glycosylase DNA repair activity and ability to suppress mutation in a human cell line demonstrated a normal function of the protein (PMID: 25820570, 26694661). This variant was observed in 9/129180 chromosomes in the European (non-Finnish) population according to the Genome Aggregation Database (PMID: 32461654) and has been reported in ClinVar (Variation ID: 135986). The overall evidence is inconsistent with ACMG/AMP requirements for a classification of benign or pathogenic. In summary, the clinical significance of this variant is currently uncertain.

Department of Pathology and Laboratory Medicine, Sinai Health System
Classification: Uncertain significance for Familial adenomatous polyposis 2. Last evaluated: 2020-10-15. Review status: criteria provided, single submitter. Criteria: ACMG Guidelines, 2015. Collection method: clinical testing. Allele origin: germline. Affected: yes.

Laboratory for Molecular Medicine, Mass General Brigham Personalized Medicine
Classification: Uncertain significance. Last evaluated: 2020-04-09. Review status: criteria provided, single submitter. Criteria: LMM Criteria. Collection method: clinical testing. Allele origin: germline. Observed: 1 variant allele.
Comment: proposed classification - variant undergoing re-assessment, contact laboratory

Quest Diagnostics Nichols Institute San Juan Capistrano
Classification: Uncertain significance. Last evaluated: 2017-11-02. Review status: criteria provided, single submitter. Criteria: Quest Diagnostics criteria. Collection method: clinical testing. Allele origin: germline.

Clinical Genetics DNA and cytogenetics Diagnostics Lab, Erasmus MC, Erasmus Medical Center
Classification: Uncertain significance. Review status: no assertion criteria provided. Collection method: clinical testing. Allele origin: germline. Affected: yes. Study: VKGL Data-share Consensus. Not counted in ClinVar's aggregate classification.

Clinical Genetics, Academic Medical Center
Classification: Uncertain significance. Review status: no assertion criteria provided. Collection method: clinical testing. Allele origin: germline. Affected: yes. Study: VKGL Data-share Consensus. Not counted in ClinVar's aggregate classification.

Joint Genome Diagnostic Labs from Nijmegen and Maastricht, Radboudumc and MUMC+
Classification: Uncertain significance. Review status: no assertion criteria provided. Collection method: clinical testing. Allele origin: germline. Affected: yes. Study: VKGL Data-share Consensus. Not counted in ClinVar's aggregate classification.

Literature cited by the submitters: PubMed 26694661 (cited by 7 submitters); PubMed 25820570 (cited by 7 submitters); PubMed 16140997 (cited by 8 submitters); PubMed 16408224 (cited by 6 submitters); PubMed 28944238 (cited by Ambry Genetics).